The following is an entry in ClinVar:

NM_013275.6(ANKRD11):c.5211C>G (p.Phe1737Leu)

Gene: ANKRD11 (ankyrin repeat domain 11; minus strand). Cytogenetic location: 16q24.3.
Variant type: single nucleotide variant.
Coding change: c.5211C>G on transcript NM_013275.6 (MANE Select); coding-DNA position 5211, C replaced by G.
Protein change: p.Phe1737Leu; replaces phenylalanine 1737 with leucine.
Molecular consequence: missense variant.
Genome position (GRCh38, 1-based): chr16:89,281,331, G>C on the plus strand (C>G on the coding strand, the complement: ANKRD11 is on the minus strand). VCF-style: chr16-89281331-G-C. GRCh37 (hg19) VCF-style: chr16-89347739-G-C.
Other names: c.5211C>G, p.Phe1737Leu (NM_001256182.2, NM_001256183.2); c.5211C>G (NM_013275.4); short protein forms F1737L.
Identifiers: ClinVar variation 2907465 (VCV002907465.4), dbSNP rs373155396, ClinGen allele CA397155166.
Genomic context (GRCh38, chr16:89,281,331, plus strand): 5'-GGAGCAGGCGCTGGTGGGAGCGGTGGGCACGGGCGTGGAGTGCTGCGAGTCGGCGCAGTC[G>C]AACACGAGGTCCGCGTAGTCATCGGCGCTGCAGGACGGGGTCCTGGGCGTGTGCATCACC-3'
Protein context (NP_037407.4, residues 1727-1747): CSADDYADLV[Phe1737Leu]DCADSQHSTP

ClinVar aggregate classification (germline): Uncertain significance. Review status: criteria provided, multiple submitters, no conflicts (2 of 4 stars). 2 submissions from 2 submitters: Uncertain significance (2). Last evaluated 2025-06-06.

Conditions:
KBG syndrome (KBGS). Also called: ANKRD11-Related KBG Syndrome. Identifiers: Orphanet 2332, MedGen C0220687, MONDO:0007846, OMIM 148050.
Inborn genetic diseases. Identifiers: MedGen C0950123, MeSH D030342.

gnomAD v4.1: 6 of 1,613,552 alleles (0.00037%); highest among the groups gnomAD compares: South Asian, 0.0022%; no homozygotes.

Submissions (2):

Ambry Genetics
Classification: Uncertain significance for Inborn genetic diseases. Last evaluated: 2025-06-06. Review status: criteria provided, single submitter. Criteria: Ambry Variant Classification Scheme 2023. Collection method: clinical testing. Allele origin: germline.

Labcorp Genetics (formerly Invitae), Labcorp
Classification: Uncertain significance for KBG syndrome. Last evaluated: 2023-12-06. Review status: criteria provided, single submitter. Criteria: Invitae Variant Classification Sherloc (09022015). Collection method: clinical testing. Allele origin: germline.
Comment: This sequence change replaces phenylalanine, which is neutral and non-polar, with leucine, which is neutral and non-polar, at codon 1737 of the ANKRD11 protein (p.Phe1737Leu). This variant is present in population databases (no rsID available, gnomAD 0.004%). This variant has not been reported in the literature in individuals affected with ANKRD11-related conditions. Advanced modeling of protein sequence and biophysical properties (such as structural, functional, and spatial information, amino acid conservation, physicochemical variation, residue mobility, and thermodynamic stability) performed at Invitae indicates that this missense variant is not expected to disrupt ANKRD11 protein function with a negative predictive value of 95%. In summary, the available evidence is currently insufficient to determine the role of this variant in disease. Therefore, it has been classified as a Variant of Uncertain Significance.